The following is an entry in ClinVar:

NM_000051.4(ATM):c.6328G>A (p.Asp2110Asn)

Genes: ATM (ATM serine/threonine kinase; plus strand), C11orf65 (chromosome 11 open reading frame 65; minus strand). Cytogenetic location: 11q22.3.
Variant type: single nucleotide variant.
Coding change: c.6328G>A on transcript NM_000051.4 (MANE Select); coding-DNA position 6328, G replaced by A.
Protein change: p.Asp2110Asn; replaces aspartic acid 2110 with asparagine.
Molecular consequence: missense variant. On other transcripts: intron variant (2).
Genome position (GRCh38, 1-based): chr11:108,317,502, G>A. VCF-style: chr11-108317502-G-A. GRCh37 (hg19) VCF-style: chr11-108188229-G-A.
Other names: c.6328G>A, p.Asp2110Asn (NM_001351834.2); c.641-8431C>T (NM_001330368.2); c.*39-8431C>T (NM_001351110.2); short protein forms D2110N.
Identifiers: ClinVar variation 1752877 (VCV001752877.3), dbSNP rs2136169784, ClinGen allele CA382552248.
Genomic context (GRCh38, chr11:108,317,502, plus strand): 5'-GACTGGTGTCCTGAACTAGAAGAACTTCATTACCAAGCAGCATGGAGGAATATGCAGTGG[G>A]ACCATTGCACTTCCGTCAGGTAAGAAATTTGACTTGATTTTTTTTTTTTTGCCTCTCTCC-3'
Protein context (NP_000042.3, residues 2100-2120): YQAAWRNMQW[Asp2110Asn]HCTSVSKEVE

ClinVar aggregate classification (germline): Uncertain significance (1 of 4 stars; one submission).

Conditions:
Hereditary cancer-predisposing syndrome. Also called: Hereditary neoplastic syndrome; Neoplastic Syndromes, Hereditary; Tumor predisposition; Hereditary Cancer Syndrome. Identifiers: Orphanet 140162, MedGen C0027672, MeSH D009386, MONDO:0015356.

Submission:

Ambry Genetics
Classification: Uncertain significance for Hereditary cancer-predisposing syndrome. Last evaluated: 2022-04-19. Review status: criteria provided, single submitter. Criteria: Ambry Variant Classification Scheme 2023. Collection method: clinical testing. Allele origin: germline.
Comment: The p.D2110N variant (also known as c.6328G>A), located in coding exon 42 of the ATM gene, results from a G to A substitution at nucleotide position 6328. The aspartic acid at codon 2110 is replaced by asparagine, an amino acid with highly similar properties. This amino acid position is conserved. In addition, this alteration is predicted to be tolerated by in silico analysis. Since supporting evidence is limited at this time, the clinical significance of this alteration remains unclear.